The following is an entry in ClinVar:

ClinVar aggregate classification (germline): Pathogenic. Review status: criteria provided, single submitter (1 of 4 stars). 2 submissions from 2 submitters: Pathogenic (1). 1 of the submissions does not count toward it. Last evaluated 2023-12-12.

Conditions:
Alstrom syndrome (ALMS). Identifiers: Orphanet 64, MedGen C0268425, MONDO:0008763, OMIM 203800.

Allele frequency attached by ClinVar (database versions not stated): gnomAD exomes below 0.00001.
gnomAD v4.1: 1 of 1,614,062 alleles (0.000062%); highest among the groups gnomAD compares: Non-Finnish European, 0.000085%; no homozygotes.

Submissions (2):

Institute of Medical Genetics and Applied Genomics, University Hospital Tübingen
Classification: Pathogenic for Alstrom syndrome. Last evaluated: 2023-12-12. Review status: criteria provided, single submitter. Criteria: ACMG Guidelines, 2015. Collection method: clinical testing. Allele origin: germline. Inheritance: Autosomal recessive inheritance. Affected: yes.

Rare Disease Group, Clinical Genetics, Karolinska Institutet
Classification: Pathogenic for Alstrom syndrome. Last evaluated: 2018-08-27. Review status: no assertion criteria provided. Collection method: research. Allele origin: germline. Inheritance: Autosomal recessive inheritance. Affected: yes. Observed: 1 homozygote. Not counted in ClinVar's aggregate classification.
Comment: p.Ser2437* variant in ALMS1 introduces a stop-gain and ALMS1 is known to cause Alstrom syndrome. The patient's clinical findings fit well into this syndrome. Moreover segregation analysis confirms the autosomal recessive inheritance. In summary, this variant was classified as pathogenic based upon segregation studies and variant function.

NM_001378454.1(ALMS1):c.7313C>A (p.Ser2438Ter)

Genes: ALMS1 (ALMS1 centrosome and basal body associated protein; plus strand), ALMS1-IT1 (ALMS1 intronic transcript 1; plus strand). Cytogenetic location: 2p13.1.
Variant type: single nucleotide variant.
Coding change: c.7313C>A on transcript NM_001378454.1 (MANE Select); coding-DNA position 7313, C replaced by A.
Protein change: p.Ser2438Ter; replaces serine 2438 with a stop codon.
Molecular consequence: nonsense.
Genome position (GRCh38, 1-based): chr2:73,453,840, C>A. VCF-style: chr2-73453840-C-A. GRCh37 (hg19) VCF-style: chr2-73680967-C-A.
Other names: c.7316C>A, p.Ser2439Ter (NM_015120.4); short protein forms S2439*, S2438*.
Identifiers: ClinVar variation 560536 (VCV000560536.4), dbSNP rs1558651680, ClinGen allele CA347292159.